The following is an entry in ClinVar:

ClinVar aggregate classification (germline): Likely pathogenic. Review status: criteria provided, multiple submitters, no conflicts (2 of 4 stars). 2 submissions from 2 submitters: Likely pathogenic (2). Last evaluated 2023-06-22.

Conditions:
NF1-related disorder. Also called: NF1-related condition. Identifiers: MedGen CN379171.
Cardiovascular phenotype. Identifiers: MedGen CN230736.
Hereditary cancer-predisposing syndrome. Also called: Tumor predisposition; Hereditary Cancer Syndrome; Hereditary neoplastic syndrome; Neoplastic Syndromes, Hereditary. Identifiers: Orphanet 140162, MedGen C0027672, MeSH D009386, MONDO:0015356.

Submissions (2):

Ambry Genetics
Classification: Likely pathogenic for Cardiovascular phenotype; Hereditary cancer-predisposing syndrome. Last evaluated: 2023-06-22. Review status: criteria provided, single submitter. Criteria: Ambry Variant Classification Scheme 2023. Collection method: clinical testing. Allele origin: germline.
Comment: The c.2851-2A>C intronic variant results from an A to C substitution two nucleotides upstream from coding exon 22 in the NF1 gene. This variant was identified in an individual with neurofibromatosis type 1 (NF1) (Jeong SY et al. J Korean Med Sci, 2006 Feb;21:107-12). This variant is considered to be rare based on population cohorts in the Genome Aggregation Database (gnomAD). This nucleotide position is highly conserved in available vertebrate species. In silico splice site analysis predicts that this alteration will weaken the native splice acceptor site and may result in the creation or strengthening of a novel splice acceptor site; however, direct evidence is insufficient at this time (Ambry internal data). Alterations that disrupt the canonical splice site are expected to cause aberrant splicing, resulting in an abnormal protein or a transcript that is subject to nonsense-mediated mRNA decay. As such, this alteration is classified as likely pathogenic.

Blueprint Genetics
Classification: Likely pathogenic for NF1-related disorders. Last evaluated: 2018-02-07. Review status: criteria provided, single submitter. Criteria: ACMG Guidelines, 2015. Collection method: clinical testing. Allele origin: germline. Affected: yes. Observed: 1 variant allele.

NM_001042492.3(NF1):c.2851-2A>C

Gene: NF1 (neurofibromin 1; plus strand). Cytogenetic location: 17q11.2.
Variant type: single nucleotide variant.
Coding change: c.2851-2A>C on transcript NM_001042492.3 (MANE Select); the canonical splice acceptor site of the intron before coding-DNA position 2851, A replaced by C.
Molecular consequence: splice acceptor variant.
Genome position (GRCh38, 1-based): chr17:31,229,833, A>C. VCF-style: chr17-31229833-A-C. GRCh37 (hg19) VCF-style: chr17-29556851-A-C.
Other names: c.2851-2A>C (NM_000267.4).
Identifiers: ClinVar variation 3237700 (VCV003237700.2), dbSNP rs2151430455.